The following is an entry in ClinVar:

NM_024675.4(PALB2):c.2168T>C (p.Met723Thr)

Gene: PALB2 (partner and localizer of BRCA2; minus strand). Cytogenetic location: 16p12.2.
Variant type: single nucleotide variant.
Coding change: c.2168T>C on transcript NM_024675.4 (MANE Select); coding-DNA position 2168, T replaced by C.
Protein change: p.Met723Thr; replaces methionine 723 with threonine.
Molecular consequence: missense variant. On other transcripts: intron variant (1).
Genome position (GRCh38, 1-based): chr16:23,629,986, A>G on the plus strand (T>C on the coding strand, the complement: PALB2 is on the minus strand). VCF-style: chr16-23629986-A-G. GRCh37 (hg19) VCF-style: chr16-23641307-A-G.
Other names: c.2108T>C, p.Met703Thr (NM_001407296.1); c.2168T>C, p.Met723Thr (NM_001407297.1, NM_001407298.1, NM_001407299.1 and 3 more transcripts); c.1283T>C, p.Met428Thr (NM_001407304.1, NM_001407305.1, NM_001407306.1 and 5 more transcripts); c.380T>C, p.Met127Thr (NM_001407312.1, NM_001407313.1); c.49-711T>C (NM_001407314.1); short protein forms M723T, M428T, M703T, M127T.
Identifiers: ClinVar variation 4741219 (VCV004741219.1).

ClinVar aggregate classification (germline): Uncertain significance (1 of 4 stars; one submission).

Conditions:
Familial cancer of breast. Also called: BREAST CANCER, FAMILIAL; Hereditary breast cancer; hereditary breast carcinoma. Identifiers: Orphanet 227535, MedGen C0346153, MONDO:0016419, OMIM 114480. Disease mechanism: loss of function.

Submission:

Labcorp Genetics (formerly Invitae), Labcorp
Classification: Uncertain significance for Familial cancer of breast. Last evaluated: 2025-09-15. Review status: criteria provided, single submitter. Criteria: Invitae Variant Classification Sherloc (09022015). Collection method: clinical testing. Allele origin: germline.
Comment: This sequence change replaces methionine, which is neutral and non-polar, with threonine, which is neutral and polar, at codon 723 of the PALB2 protein (p.Met723Thr). This variant is not present in population databases (gnomAD no frequency). This variant has not been reported in the literature in individuals affected with PALB2-related conditions. Invitae Evidence Modeling of protein sequence and biophysical properties (such as structural, functional, and spatial information, amino acid conservation, physicochemical variation, residue mobility, and thermodynamic stability) indicates that this missense variant is not expected to disrupt PALB2 protein function with a negative predictive value of 80%. In summary, the available evidence is currently insufficient to determine the role of this variant in disease. Therefore, it has been classified as a Variant of Uncertain Significance.